The following is an entry in ClinVar:

NM_001329943.3(KIAA0586):c.2617A>G (p.Ile873Val)

Gene: KIAA0586 (KIAA0586; plus strand). Cytogenetic location: 14q23.1.
Variant type: single nucleotide variant.
Coding change: c.2617A>G on transcript NM_001329943.3 (MANE Select); coding-DNA position 2617, A replaced by G.
Protein change: p.Ile873Val; replaces isoleucine 873 with valine.
Molecular consequence: missense variant.
Genome position (GRCh38, 1-based): chr14:58,472,262, A>G. VCF-style: chr14-58472262-A-G. GRCh37 (hg19) VCF-style: chr14-58938980-A-G.
Other names: c.2776A>G, p.Ile926Val (NM_001244189.2); c.2572A>G, p.Ile858Val (NM_001244190.2); c.2362A>G, p.Ile788Val (NM_001244191.2, NM_001329945.2, NM_001364700.1 and 1 more transcripts); c.2776A>G (NM_001244189.1); c.2485A>G, p.Ile829Val (NM_001244192.2); c.2197A>G, p.Ile733Val (NM_001244193.2); c.2617A>G, p.Ile873Val (NM_001329944.2, NM_001329946.2, NM_001329947.2); c.2389A>G, p.Ile797Val (NM_014749.5); short protein forms I829V, I788V, I733V, I797V, I858V, I873V, I926V.
Identifiers: ClinVar variation 1361930 (VCV001361930.9), dbSNP rs2041278053, ClinGen allele CA389877249.

ClinVar aggregate classification (germline): Uncertain significance. Review status: criteria provided, multiple submitters, no conflicts (2 of 4 stars). 2 submissions from 2 submitters: Uncertain significance (2). Last evaluated 2023-06-28.

Conditions:
Joubert syndrome 23 (JBTS23). Identifiers: Orphanet 475, MedGen C4084822, MONDO:0014664, OMIM 616490.
Short-rib thoracic dysplasia 14 with polydactyly (SRTD14). Identifiers: Orphanet 397715, MedGen C4225286, MONDO:0014688, OMIM 616546.

Allele frequency attached by ClinVar (database versions not stated): gnomAD exomes below 0.00001; TOPMed 0.00001.
gnomAD v4.1: 1 of 1,569,350 alleles (0.000064%); highest among the groups gnomAD compares: Admixed American, 0.0018%; no homozygotes.

Submissions (2):

GeneDx
Classification: Uncertain significance. Last evaluated: 2023-06-28. Review status: criteria provided, single submitter. Criteria: GeneDx Variant Classification Process June 2021. Collection method: clinical testing. Allele origin: germline. Affected: yes.
Comment: Not observed at significant frequency in large population cohorts (gnomAD); In silico analysis supports that this missense variant does not alter protein structure/function; Has not been previously published as pathogenic or benign to our knowledge

Labcorp Genetics (formerly Invitae), Labcorp
Classification: Uncertain significance for Joubert syndrome 23; Short-rib thoracic dysplasia 14 with polydactyly. Last evaluated: 2022-01-12. Review status: criteria provided, single submitter. Criteria: Invitae Variant Classification Sherloc (09022015). Collection method: clinical testing. Allele origin: germline.
Comment: This variant has not been reported in the literature in individuals affected with KIAA0586-related conditions. This variant is not present in population databases (gnomAD no frequency). This sequence change replaces isoleucine, which is neutral and non-polar, with valine, which is neutral and non-polar, at codon 926 of the KIAA0586 protein (p.Ile926Val). Algorithms developed to predict the effect of missense changes on protein structure and function output the following: SIFT: "Tolerated"; PolyPhen-2: "Benign"; Align-GVGD: "Class C0". The valine amino acid residue is found in multiple mammalian species, which suggests that this missense change does not adversely affect protein function. In summary, the available evidence is currently insufficient to determine the role of this variant in disease. Therefore, it has been classified as a Variant of Uncertain Significance. Algorithms developed to predict the effect of sequence changes on RNA splicing suggest that this variant may create or strengthen a splice site.